The following is an entry in ClinVar:

ClinVar aggregate classification (germline): Likely pathogenic (1 of 4 stars; one submission).

Conditions:
Pulmonary hypertension, primary, 1 (PPH1). Also called: Pulmonary hypertension, familial primary, 1, with or without HHT. Identifiers: Orphanet 422, MedGen C4552070, MONDO:0024533, OMIM 178600.
Pulmonary venoocclusive disease 1 (PVOD1). Also called: Pulmonary venoocclusive disease 1, autosomal dominant. Identifiers: Orphanet 31837, MedGen C3887658, MONDO:0020713, OMIM 265450.

Submission:

Juno Genomics, Hangzhou Juno Genomics, Inc
Classification: Likely pathogenic for Pulmonary hypertension, primary, 1; Pulmonary venoocclusive disease 1. Review status: criteria provided, single submitter. Criteria: ACMG Guidelines, 2015. Collection method: clinical testing. Allele origin: germline. Affected: yes.
Comment: Absent from controls (or at extremely low frequency if recessive) in Genome Aggregation Database, Exome Sequencing Project, 1000 Genomes Project, or Exome Aggregation Consortium.;Null variant in a gene where loss of function (LOF) is a known mechanism of disease.

NM_001204.7(BMPR2):c.309_310insG (p.Thr104fs)

Gene: BMPR2 (bone morphogenetic protein receptor type 2; plus strand). Cytogenetic location: 2q33.1.
Variant type: Insertion.
Coding change: c.309_310insG on transcript NM_001204.7 (MANE Select); coding-DNA positions 309 to 310, G inserted.
Protein change: p.Thr104fs; shifts the reading frame from threonine 104.
Molecular consequence: frameshift variant.
Genome position: GRCh38 VCF-style: chr2-202467580-C-CG. GRCh37 (hg19) VCF-style: chr2-203332303-C-CG.
Other names: short protein forms T104fs.
Identifiers: ClinVar variation 3764719 (VCV003764719.2).